The following is an entry in ClinVar:

ClinVar aggregate classification (germline): Uncertain significance (1 of 4 stars; one submission).

Allele frequency attached by ClinVar (database versions not stated): gnomAD exomes below 0.00001; ExAC 0.00001.

Submission:

Labcorp Genetics (formerly Invitae), Labcorp
Classification: Uncertain significance. Last evaluated: 2022-08-20. Review status: criteria provided, single submitter. Criteria: Invitae Variant Classification Sherloc (09022015). Collection method: clinical testing. Allele origin: germline.
Comment: In summary, the available evidence is currently insufficient to determine the role of this variant in disease. Therefore, it has been classified as a Variant of Uncertain Significance. This variant disrupts the C-terminus of the IFT81 protein. Other variant(s) that disrupt this region (p.Leu645*) have been observed in individuals with IFT81-related conditions (PMID: 32783357). This suggests that this may be a clinically significant region of the protein. This variant has not been reported in the literature in individuals affected with IFT81-related conditions. This variant is present in population databases (rs746148735, gnomAD 0.0009%). This sequence change creates a premature translational stop signal (p.Thr608Asnfs*3) in the IFT81 gene. While this is not anticipated to result in nonsense mediated decay, it is expected to disrupt the last 69 amino acid(s) of the IFT81 protein.

Literature cited by the submitters: PubMed 32783357.

NM_014055.4(IFT81):c.1822dup (p.Thr608fs)

Gene: IFT81 (intraflagellar transport 81; plus strand). Cytogenetic location: 12q24.11.
Variant type: Duplication.
Coding change: c.1822dup on transcript NM_014055.4 (MANE Select); coding-DNA position 1822, one base duplicated (A; older notation c.1822dupA).
Protein change: p.Thr608fs; shifts the reading frame from threonine 608.
Molecular consequence: frameshift variant. On other transcripts: non-coding transcript variant (4).
Genome position (GRCh38, 1-based): chr12:110,209,190, A duplicated. VCF-style (leftmost placement, unchanged base first): chr12-110209189-T-TA. GRCh37 (hg19) VCF-style: chr12-110646994-T-TA.
Other names: c.1822dup, p.Thr608fs (NM_001143779.2); c.892dup, p.Thr298fs (NM_001347947.2, NM_001347948.2); short protein forms T608fs, T298fs.
Identifiers: ClinVar variation 2025389 (VCV002025389.4), dbSNP rs746148735, ClinGen allele CA6783498.